The following is an entry in ClinVar:

ClinVar aggregate classification (germline): Uncertain significance (1 of 4 stars; one submission).

Submission:

Labcorp Genetics (formerly Invitae), Labcorp
Classification: Uncertain significance. Last evaluated: 2022-07-12. Review status: criteria provided, single submitter. Criteria: Invitae Variant Classification Sherloc (09022015). Collection method: clinical testing. Allele origin: germline.
Comment: This variant is not present in population databases (gnomAD no frequency). This sequence change replaces valine, which is neutral and non-polar, with glycine, which is neutral and non-polar, at codon 1766 of the ANK3 protein (p.Val1766Gly). This variant has not been reported in the literature in individuals affected with ANK3-related conditions. In summary, the available evidence is currently insufficient to determine the role of this variant in disease. Therefore, it has been classified as a Variant of Uncertain Significance. Algorithms developed to predict the effect of missense changes on protein structure and function are either unavailable or do not agree on the potential impact of this missense change (SIFT: "Not Available"; PolyPhen-2: "Benign"; Align-GVGD: "Not Available").

NM_020987.5(ANK3):c.5297T>G (p.Val1766Gly)

Gene: ANK3 (ankyrin 3; minus strand). Cytogenetic location: 10q21.2.
Variant type: single nucleotide variant.
Coding change: c.5297T>G on transcript NM_020987.5 (MANE Select); coding-DNA position 5297, T replaced by G.
Protein change: p.Val1766Gly; replaces valine 1766 with glycine.
Molecular consequence: missense variant. On other transcripts: intron variant (4).
Genome position (GRCh38, 1-based): chr10:60,075,584, A>C on the plus strand (T>G on the coding strand, the complement: ANK3 is on the minus strand). VCF-style: chr10-60075584-A-C. GRCh37 (hg19) VCF-style: chr10-61835342-A-C.
Other names: c.4387+4953T>G (NM_001204403.2); c.4408+4953T>G (NM_001204404.2); c.4405+4953T>G (NM_001320874.2); c.1807+4953T>G (NM_001149.4); short protein forms V1766G.
Identifiers: ClinVar variation 2016266 (VCV002016266.4), dbSNP rs1257256384, ClinGen allele CA377015827.